The following is an entry in ClinVar:

NM_198253.3(TERT):c.481C>G (p.Leu161Val)

Gene: TERT (telomerase reverse transcriptase; minus strand). Cytogenetic location: 5p15.33.
Variant type: single nucleotide variant.
Coding change: c.481C>G on transcript NM_198253.3 (MANE Select); coding-DNA position 481, C replaced by G.
Protein change: p.Leu161Val; replaces leucine 161 with valine.
Molecular consequence: missense variant. On other transcripts: non-coding transcript variant (2).
Genome position (GRCh38, 1-based): chr5:1,294,405, G>C on the plus strand (C>G on the coding strand, the complement: TERT is on the minus strand). VCF-style: chr5-1294405-G-C. GRCh37 (hg19) VCF-style: chr5-1294520-G-C.
Other names: c.481C>G, p.Leu161Val (NM_001193376.3); short protein forms L161V.
Identifiers: ClinVar variation 4561594 (VCV004561594.1).

ClinVar aggregate classification (germline): Uncertain significance (1 of 4 stars; one submission).

Conditions:
Dyskeratosis congenita. Identifiers: Orphanet 1775, MedGen C0265965, MONDO:0015780.

Submission:

Ambry Genetics
Classification: Uncertain significance for Dyskeratosis congenita. Last evaluated: 2025-10-05. Review status: criteria provided, single submitter. Criteria: Ambry Variant Classification Scheme 2023. Collection method: clinical testing. Allele origin: germline.
Comment: The p.L161V variant (also known as c.481C>G), located in coding exon 2 of the TERT gene, results from a C to G substitution at nucleotide position 481. The leucine at codon 161 is replaced by valine, an amino acid with highly similar properties. This amino acid position is conserved. In addition, the in silico prediction for this alteration is inconclusive. Based on the available evidence, the clinical significance of this variant remains unclear.